The following is an entry in ClinVar:

NM_000138.5(FBN1):c.3038del (p.Gly1013fs)

Gene: FBN1 (fibrillin 1; minus strand). Cytogenetic location: 15q21.1.
Variant type: Deletion.
Coding change: c.3038del on transcript NM_000138.5 (MANE Select); coding-DNA position 3038, one base deleted (G; older notation c.3038delG).
Protein change: p.Gly1013fs; shifts the reading frame from glycine 1013.
Molecular consequence: frameshift variant.
Genome position (GRCh38, 1-based): chr15:48,489,895, C deleted on the plus strand (G on the coding strand, the reverse complement: FBN1 is on the minus strand); the first of 2 consecutive C bases (chr15:48,489,895-48,489,896); deleting either gives the same sequence. VCF-style (leftmost placement, unchanged base first): chr15-48489894-TC-T. GRCh37 (hg19) VCF-style: chr15-48782091-TC-T.
Other names: short protein forms G1013fs.
Identifiers: ClinVar variation 1452240 (VCV001452240.6), dbSNP rs2141297097, ClinGen allele CA2573150765.

ClinVar aggregate classification (germline): Pathogenic (1 of 4 stars; one submission).

Conditions:
Marfan syndrome (MFS). Also called: MARFAN SYNDROME, TYPE I; Marfan syndrome type 1; Marfan's syndrome; Marfan syndrome, classic; FBN1-Related Marfan Syndrome. Identifiers: Orphanet 284963, Orphanet 558, MedGen C0024796, MONDO:0007947, OMIM 154700.
Familial thoracic aortic aneurysm and aortic dissection (TAAD). Also called: Thoracic aortic aneurysms and dissections. Identifiers: Orphanet 91387, MedGen C4707243, MONDO:0019625.

Submission:

Labcorp Genetics (formerly Invitae), Labcorp
Classification: Pathogenic for Marfan syndrome; Familial thoracic aortic aneurysm and aortic dissection. Last evaluated: 2025-07-03. Review status: criteria provided, single submitter. Criteria: Invitae Variant Classification Sherloc (09022015). Collection method: clinical testing. Allele origin: germline.
Comment: This sequence change creates a premature translational stop signal (p.Gly1013Aspfs*22) in the FBN1 gene. It is expected to result in an absent or disrupted protein product. Loss-of-function variants in FBN1 are known to be pathogenic (PMID: 17657824, 19293843). This variant is not present in population databases (gnomAD no frequency). This variant has not been reported in the literature in individuals affected with FBN1-related conditions. ClinVar contains an entry for this variant (Variation ID: 1452240). For these reasons, this variant has been classified as Pathogenic.

Literature cited by the submitters: PubMed 17657824; PubMed 19293843.